The following is an entry in ClinVar:

ClinVar aggregate classification (germline): Uncertain significance (1 of 4 stars; one submission).

Submission:

Labcorp Genetics (formerly Invitae), Labcorp
Classification: Uncertain significance. Last evaluated: 2022-05-19. Review status: criteria provided, single submitter. Criteria: Invitae Variant Classification Sherloc (09022015). Collection method: clinical testing. Allele origin: germline.
Comment: A copy number gain of the genomic region encompassing the full coding sequence of the OSTM1 gene has been identified. The boundaries of this event are unknown as they extend beyond the assayed region for this gene and therefore may encompass additional genes. As the precise location of this event is unknown, it may be in tandem or it may be located elsewhere in the genome. This variant has not been reported in the literature in individuals affected with OSTM1-related conditions. In summary, the available evidence is currently insufficient to determine the role of this variant in disease. Therefore, it has been classified as a Variant of Uncertain Significance.

NC_000006.11:g.(?_108197748)_(108395855_?)dup

Genes: OSTM1 (osteoclastogenesis associated transmembrane protein 1; minus strand), SEC63 (SEC63 homolog, protein translocation regulator; minus strand). Cytogenetic location: 6q21.
Variant type: Duplication.
Identifiers: ClinVar variation 2425883 (VCV002425883.2).